The following is an entry in ClinVar:

ClinVar aggregate classification (germline): Uncertain significance (1 of 4 stars; one submission).

Conditions:
Inborn genetic diseases. Identifiers: MedGen C0950123, MeSH D030342.

Submission:

Ambry Genetics
Classification: Uncertain significance for Inborn genetic diseases. Last evaluated: 2026-02-14. Review status: criteria provided, single submitter. Criteria: Ambry Variant Classification Scheme 2023. Collection method: clinical testing. Allele origin: germline.
Comment: The p.G98S variant (also known as c.292G>A), located in coding exon 1 of the WT1 gene, results from a G to A substitution at nucleotide position 292. The glycine at codon 98 is replaced by serine, an amino acid with similar properties. This amino acid position is conserved. In addition, this alteration is predicted to be tolerated by in silico analysis. Based on the available evidence, the clinical significance of this variant remains unclear.

NM_024426.6(WT1):c.307G>A (p.Gly103Ser)

Genes: WT1 (WT1 transcription factor; minus strand), LOC107982234 (WT1/WT1-AS bi-directional promoter region; plus strand). Cytogenetic location: 11p13.
Variant type: single nucleotide variant.
Coding change: c.307G>A on transcript NM_024426.6 (MANE Select); coding-DNA position 307, G replaced by A.
Protein change: p.Gly103Ser; replaces glycine 103 with serine.
Molecular consequence: missense variant. On other transcripts: non-coding transcript variant (2).
Genome position (GRCh38, 1-based): chr11:32,435,054, C>T on the plus strand (G>A on the coding strand, the complement: WT1 is on the minus strand). VCF-style: chr11-32435054-C-T. GRCh37 (hg19) VCF-style: chr11-32456600-C-T.
Other names: c.307G>A, p.Gly103Ser (NM_000378.6, NM_001407044.1, NM_001407045.1 and 6 more transcripts); c.88G>A, p.Gly30Ser (NM_001429031.1, NM_001429032.1, NM_001429033.1 and 1 more transcripts); short protein forms G103S, G30S, G98S.
Identifiers: ClinVar variation 4825404 (VCV004825404.1).
Genomic context (GRCh38, chr11:32,435,054, plus strand): 5'-ACCCGTAAGCCGAAGCGCCCGGGGGCGCAAAGTCCAGCACCGGCGCCCACTGCGCCGCGC[C>T]GCTCACAGGCAGGGCACAGCCGCCGCCGCCACCCAGGGAGGGGACGGCGGGCAGCAGCGC-3'
Protein context (NP_077744.4, residues 93-113): GGGGCALPVS[Gly103Ser]AAQWAPVLDF